The following is an entry in ClinVar:

NM_001754.5(RUNX1):c.303G>A (p.Val101=)

Gene: RUNX1 (RUNX family transcription factor 1; minus strand). Cytogenetic location: 21q22.12.
Variant type: single nucleotide variant.
Coding change: c.303G>A on transcript NM_001754.5 (MANE Select); coding-DNA position 303, G replaced by A.
Protein change: p.Val101=; no amino-acid change (valine 101 retained).
Molecular consequence: synonymous variant.
Genome position (GRCh38, 1-based): chr21:34,886,891, C>T on the plus strand (G>A on the coding strand, the complement: RUNX1 is on the minus strand). VCF-style: chr21-34886891-C-T. GRCh37 (hg19) VCF-style: chr21-36259188-C-T.
Other names: NM_001754.5(RUNX1):c.303G>A; p.Val101=; c.222G>A, p.Val74= (NM_001001890.3, NM_001122607.2).
Identifiers: ClinVar variation 532677 (VCV000532677.14), dbSNP rs142472642, ClinGen allele CA10014553.

ClinVar aggregate classification (germline): Likely benign. Review status: reviewed by expert panel (3 of 4 stars). 4 submissions from 4 submitters: Likely benign (1). 3 of the submissions do not count toward it. Last evaluated 2024-08-28.

Conditions:
Hereditary thrombocytopenia and hematologic cancer predisposition syndrome. Identifiers: Orphanet 71290, MedGen CN281654, MONDO:0011071.
Inborn genetic diseases. Identifiers: MedGen C0950123, MeSH D030342.
Hereditary thrombocytopenia and hematological cancer predisposition syndrome associated with RUNX1. Also called: Familial Platelet Disorder with Propensity to Acute Myelogenous Leukemia; Familial thrombocytopenia with propensity to acute myelogenous leukemia; RUNX1 Familial Platelet Disorder with Associated Myeloid Malignancies; PLATELET DISORDER, ASPIRIN-LIKE. Identifiers: Orphanet 71290, MedGen C1832388, MeSH C563324, MONDO:0100083, OMIM 601399.

gnomAD v4.1: 2 of 1,613,678 alleles (0.00012%); highest among the groups gnomAD compares: Non-Finnish European, 0.00017%; no homozygotes.

Submissions (4):

ClinGen Myeloid Malignancy Variant Curation Expert Panel
Classification: Likely benign for Hereditary thrombocytopenia and hematologic cancer predisposition syndrome. Last evaluated: 2024-08-28. Review status: reviewed by expert panel. Criteria: ClinGen MyeloMalig ACMG Specifications v2. Collection method: curation. Allele origin: germline. Inheritance: Autosomal dominant inheritance.
Comment: NM_001754.5(RUNX1):c.303G>A (p.Val101=) is a synonymous variant which has a SpliceAI score ≤ 0.20 (0.01) (BP4). This variant has a SpliceAI score ≤ 0.20 (0.01) and evolutionary conservation algorithms predict the site as not being conserved (PhyloP score ≤ 2.0 (1.47)) (BP7). In summary, this variant meets criteria to be classified as likely benign. ACMG/AMP criteria applied, as specified by the Myeloid Malignancy Variant Curation Expert Panel for RUNX1: BP4, BP7.

Ambry Genetics
Classification: Likely benign for Inborn genetic diseases. Last evaluated: 2025-01-20. Review status: criteria provided, single submitter. Criteria: Ambry Variant Classification Scheme 2023. Collection method: clinical testing. Allele origin: germline. Not counted in ClinVar's aggregate classification.

ARUP Laboratories, Molecular Genetics and Genomics, ARUP Laboratories
Classification: Likely benign. Last evaluated: 2024-05-22. Review status: criteria provided, single submitter. Criteria: ARUP Molecular Germline Variant Investigation Process 2024. Collection method: clinical testing. Allele origin: germline. Not counted in ClinVar's aggregate classification.

Labcorp Genetics (formerly Invitae), Labcorp
Classification: Likely benign for Hereditary thrombocytopenia and hematological cancer predisposition syndrome associated with RUNX1. Last evaluated: 2023-02-20. Review status: criteria provided, single submitter. Criteria: Invitae Variant Classification Sherloc (09022015). Collection method: clinical testing. Allele origin: germline. Not counted in ClinVar's aggregate classification.